The following is an entry in ClinVar:

ClinVar aggregate classification (germline): Uncertain significance. Review status: criteria provided, multiple submitters, no conflicts (2 of 4 stars). 2 submissions from 2 submitters: Uncertain significance (2). Last evaluated 2026-01-26.

Conditions:
Inborn genetic diseases. Identifiers: MedGen C0950123, MeSH D030342.
Familial temporal lobe epilepsy 7. Identifiers: Orphanet 101046, MedGen C4225327, MONDO:0014639, OMIM 616436.
Norman-Roberts syndrome (LIS2). Also called: Lissencephaly 2 (Norman-Roberts type). Identifiers: Orphanet 89844, MedGen C0796089, MONDO:0009760, OMIM 257320.

Allele frequency attached by ClinVar (database versions not stated): gnomAD 0.00001; gnomAD exomes 0.00001; TOPMed 0.00001.
gnomAD v4.1: 4 of 1,613,442 alleles (0.00025%); highest among the groups gnomAD compares: South Asian, 0.0011%; no homozygotes.

Submissions (2):

Ambry Genetics
Classification: Uncertain significance for Inborn genetic diseases. Last evaluated: 2026-01-26. Review status: criteria provided, single submitter. Criteria: Ambry Variant Classification Scheme 2023. Collection method: clinical testing. Allele origin: germline.

Labcorp Genetics (formerly Invitae), Labcorp
Classification: Uncertain significance for Familial temporal lobe epilepsy 7; Norman-Roberts syndrome. Last evaluated: 2025-01-05. Review status: criteria provided, single submitter. Criteria: Invitae Variant Classification Sherloc (09022015). Collection method: clinical testing. Allele origin: germline.
Comment: This sequence change replaces tyrosine, which is neutral and polar, with cysteine, which is neutral and slightly polar, at codon 1299 of the RELN protein (p.Tyr1299Cys). This variant is not present in population databases (gnomAD no frequency). This variant has not been reported in the literature in individuals affected with RELN-related conditions. ClinVar contains an entry for this variant (Variation ID: 2934268). Invitae Evidence Modeling of protein sequence and biophysical properties (such as structural, functional, and spatial information, amino acid conservation, physicochemical variation, residue mobility, and thermodynamic stability) indicates that this missense variant is not expected to disrupt RELN protein function with a negative predictive value of 80%. In summary, the available evidence is currently insufficient to determine the role of this variant in disease. Therefore, it has been classified as a Variant of Uncertain Significance.

NM_005045.4(RELN):c.3896A>G (p.Tyr1299Cys)

Gene: RELN (reelin; minus strand). Cytogenetic location: 7q22.1.
Variant type: single nucleotide variant.
Coding change: c.3896A>G on transcript NM_005045.4 (MANE Select); coding-DNA position 3896, A replaced by G.
Protein change: p.Tyr1299Cys; replaces tyrosine 1299 with cysteine.
Molecular consequence: missense variant.
Genome position (GRCh38, 1-based): chr7:103,593,698, T>C on the plus strand (A>G on the coding strand, the complement: RELN is on the minus strand). VCF-style: chr7-103593698-T-C. GRCh37 (hg19) VCF-style: chr7-103234145-T-C.
Other names: c.3896A>G (NM_005045.3); c.3896A>G, p.Tyr1299Cys (NM_173054.3); short protein forms Y1299C.
Identifiers: ClinVar variation 2934268 (VCV002934268.4), dbSNP rs1434961495, ClinGen allele CA368756884.